The following is an entry in ClinVar:

NM_001283009.2(RTEL1):c.680A>C (p.Asn227Thr)

Genes: RTEL1 (regulator of telomere elongation helicase 1; plus strand), RTEL1-TNFRSF6B (RTEL1-TNFRSF6B readthrough (NMD candidate); plus strand). Cytogenetic location: 20q13.33.
Variant type: single nucleotide variant.
Coding change: c.680A>C on transcript NM_001283009.2 (MANE Select); coding-DNA position 680, A replaced by C.
Protein change: p.Asn227Thr; replaces asparagine 227 with threonine.
Molecular consequence: missense variant. On other transcripts: non-coding transcript variant (1).
Genome position (GRCh38, 1-based): chr20:63,667,534, A>C. VCF-style: chr20-63667534-A-C. GRCh37 (hg19) VCF-style: chr20-62298887-A-C.
Other names: c.11A>C, p.Asn4Thr (NM_001283010.1); c.680A>C, p.Asn227Thr (NM_016434.4); c.752A>C, p.Asn251Thr (NM_032957.5); short protein forms N251T, N4T, N227T.
Identifiers: ClinVar variation 3948225 (VCV003948225.1).

ClinVar aggregate classification (germline): Uncertain significance (1 of 4 stars; one submission).

Conditions:
Inborn genetic diseases. Identifiers: MedGen C0950123, MeSH D030342.

Submission:

Ambry Genetics
Classification: Uncertain significance for Inborn genetic diseases. Last evaluated: 2025-03-17. Review status: criteria provided, single submitter. Criteria: Ambry Variant Classification Scheme 2023. Collection method: clinical testing. Allele origin: germline.
Comment: The p.N227T variant (also known as c.680A>C), located in coding exon 7 of the RTEL1 gene, results from an A to C substitution at nucleotide position 680. The asparagine at codon 227 is replaced by threonine, an amino acid with similar properties. This amino acid position is conserved. In addition, the in silico prediction for this alteration is inconclusive. Based on the available evidence, the clinical significance of this variant remains unclear.